The following is an entry in ClinVar:

ClinVar aggregate classification (germline): Uncertain significance (1 of 4 stars; one submission).

gnomAD v4.1: 3 of 1,614,044 alleles (0.00019%); highest among the groups gnomAD compares: Non-Finnish European, 0.00025%; no homozygotes.

Submission:

Labcorp Genetics (formerly Invitae), Labcorp
Classification: Uncertain significance. Last evaluated: 2025-03-18. Review status: criteria provided, single submitter. Criteria: Invitae Variant Classification Sherloc (09022015). Collection method: clinical testing. Allele origin: germline.
Comment: This sequence change replaces isoleucine, which is neutral and non-polar, with valine, which is neutral and non-polar, at codon 830 of the IARS2 protein (p.Ile830Val). This variant is not present in population databases (gnomAD no frequency). This variant has not been reported in the literature in individuals affected with IARS2-related conditions. An algorithm developed to predict the effect of missense changes on protein structure and function outputs the following: PolyPhen-2: "Benign". The valine amino acid residue is found in multiple mammalian species, which suggests that this missense change does not adversely affect protein function. In summary, the available evidence is currently insufficient to determine the role of this variant in disease. Therefore, it has been classified as a Variant of Uncertain Significance.

NM_018060.4(IARS2):c.2488A>G (p.Ile830Val)

Gene: IARS2 (isoleucyl-tRNA synthetase 2, mitochondrial; plus strand). Cytogenetic location: 1q41.
Variant type: single nucleotide variant.
Coding change: c.2488A>G on transcript NM_018060.4 (MANE Select); coding-DNA position 2488, A replaced by G.
Protein change: p.Ile830Val; replaces isoleucine 830 with valine.
Molecular consequence: missense variant.
Genome position (GRCh38, 1-based): chr1:220,141,876, A>G. VCF-style: chr1-220141876-A-G. GRCh37 (hg19) VCF-style: chr1-220315218-A-G.
Other names: short protein forms I830V.
Identifiers: ClinVar variation 3680465 (VCV003680465.2).